The following is an entry in ClinVar:

ClinVar aggregate classification (germline): Uncertain significance. Review status: criteria provided, multiple submitters, no conflicts (2 of 4 stars). 3 submissions from 3 submitters: Uncertain significance (3). Last evaluated 2023-10-19.

Conditions:
Inborn genetic diseases. Identifiers: MedGen C0950123, MeSH D030342.

Allele frequency attached by ClinVar (database versions not stated): ExAC 0.00001; gnomAD exomes 0.00002 and 0.00003; gnomAD 0.00005 and 0.00006; TOPMed 0.00007.
gnomAD v4.1: 49 of 1,613,740 alleles (0.003%); highest among the groups gnomAD compares: Non-Finnish European, 0.004%; no homozygotes.

Submissions (3):

Blueprint Genetics
Classification: Uncertain significance. Last evaluated: 2023-10-19. Review status: criteria provided, single submitter. Criteria: ACMG Guidelines, 2015. Collection method: clinical testing. Allele origin: germline.

Ambry Genetics
Classification: Uncertain significance for Inborn genetic diseases. Last evaluated: 2023-07-11. Review status: criteria provided, single submitter. Criteria: Ambry Variant Classification Scheme 2023. Collection method: clinical testing. Allele origin: germline.

Labcorp Genetics (formerly Invitae), Labcorp
Classification: Uncertain significance. Last evaluated: 2021-12-06. Review status: criteria provided, single submitter. Criteria: Invitae Variant Classification Sherloc (09022015). Collection method: clinical testing. Allele origin: germline.
Comment: This sequence change replaces arginine, which is basic and polar, with tryptophan, which is neutral and slightly polar, at codon 391 of the GRM6 protein (p.Arg391Trp). The frequency data for this variant in the population databases is considered unreliable, as metrics indicate poor data quality at this position in the gnomAD database. This variant has not been reported in the literature in individuals affected with GRM6-related conditions. Advanced modeling of protein sequence and biophysical properties (such as structural, functional, and spatial information, amino acid conservation, physicochemical variation, residue mobility, and thermodynamic stability) performed at Invitae indicates that this missense variant is not expected to disrupt GRM6 protein function. In summary, the available evidence is currently insufficient to determine the role of this variant in disease. Therefore, it has been classified as a Variant of Uncertain Significance.

NM_000843.4(GRM6):c.1171C>T (p.Arg391Trp)

Genes: GRM6 (glutamate metabotropic receptor 6; minus strand), ZNF454 (zinc finger protein 454; plus strand). Cytogenetic location: 5q35.3.
Variant type: single nucleotide variant.
Coding change: c.1171C>T on transcript NM_000843.4 (MANE Select); coding-DNA position 1171, C replaced by T.
Protein change: p.Arg391Trp; replaces arginine 391 with tryptophan.
Molecular consequence: missense variant.
Genome position (GRCh38, 1-based): chr5:178,989,118, G>A on the plus strand (C>T on the coding strand, the complement: GRM6 is on the minus strand). VCF-style: chr5-178989118-G-A. GRCh37 (hg19) VCF-style: chr5-178416119-G-A.
Other names: c.1171C>T (NM_000843.3); short protein forms R391W.
Identifiers: ClinVar variation 1346421 (VCV001346421.5), dbSNP rs755901377, ClinGen allele CA3594162.